The following is an entry in ClinVar:

ClinVar aggregate classification (germline): Uncertain significance (1 of 4 stars; one submission).

Conditions:
Gnathodiaphyseal dysplasia (GDD). Also called: GNATHODIAPHYSEAL SCLEROSIS; OSTEOGENESIS IMPERFECTA WITH UNUSUAL SKELETAL LESIONS. Identifiers: Orphanet 53697, MedGen C1833736, MONDO:0008151, OMIM 166260.
Autosomal recessive limb-girdle muscular dystrophy type 2L (LGMDR12). Also called: Limb-girdle muscular dystrophy, type 2L; MUSCULAR DYSTROPHY, LIMB-GIRDLE, AUTOSOMAL RECESSIVE 12; Limb-Girdle Muscular Dystrophy R12 Anoctamin-5-Related (LGMD-R12). Identifiers: Orphanet 206549, MedGen C1969785, MONDO:0012652, OMIM 611307.

Allele frequency attached by ClinVar (database versions not stated): gnomAD exomes below 0.00001.
gnomAD v4.1: 1 of 1,610,082 alleles (0.000062%); highest among the groups gnomAD compares: Non-Finnish European, 0.000085%; no homozygotes.

Submission:

Labcorp Genetics (formerly Invitae), Labcorp
Classification: Uncertain significance for Autosomal recessive limb-girdle muscular dystrophy type 2L; Gnathodiaphyseal dysplasia. Last evaluated: 2024-02-23. Review status: criteria provided, single submitter. Criteria: Invitae Variant Classification Sherloc (09022015). Collection method: clinical testing. Allele origin: germline.
Comment: This sequence change disrupts the translational stop signal of the ANO5 mRNA. It is expected to extend the length of the ANO5 protein by 3 additional amino acid residues. This variant is not present in population databases (gnomAD no frequency). This variant has not been reported in the literature in individuals affected with ANO5-related conditions. In summary, the available evidence is currently insufficient to determine the role of this variant in disease. Therefore, it has been classified as a Variant of Uncertain Significance.

NM_213599.3(ANO5):c.2742A>T (p.Ter914Tyr)

Gene: ANO5 (anoctamin 5; plus strand). Cytogenetic location: 11p14.3.
Variant type: single nucleotide variant.
Coding change: c.2742A>T on transcript NM_213599.3 (MANE Select); coding-DNA position 2742, A replaced by T.
Protein change: p.Ter914Tyr.
Molecular consequence: stop lost.
Genome position (GRCh38, 1-based): chr11:22,279,765, A>T. VCF-style: chr11-22279765-A-T. GRCh37 (hg19) VCF-style: chr11-22301311-A-T.
Other names: c.2739A>T, p.Ter913Tyr (NM_001142649.2); c.2700A>T, p.Ter900Tyr (NM_001410963.1); c.2697A>T, p.Ter899Tyr (NM_001410964.1).
Identifiers: ClinVar variation 2944212 (VCV002944212.3), dbSNP rs2494413979, ClinGen allele CA379925596.
Genomic context (GRCh38, chr11:22,279,765, plus strand): 5'-ATTTGCCAAGCATGTCATGATTGAGGAAAACAAAGCACAGCTGGCTAAATCAACACTCTA[A>T]TCAGTATAGTGAGGAAGCAGCAGGTGATCTGCCTTACTTCACTTTATCCTCTGGTTTTAG-3'